The following is an entry in ClinVar:

NM_018979.4(WNK1):c.568G>A (p.Ala190Thr)

Gene: WNK1 (WNK lysine deficient protein kinase 1; plus strand). Cytogenetic location: 12p13.33.
Variant type: single nucleotide variant.
Coding change: c.568G>A on transcript NM_018979.4 (MANE Select); coding-DNA position 568, G replaced by A.
Protein change: p.Ala190Thr; replaces alanine 190 with threonine.
Molecular consequence: missense variant.
Genome position (GRCh38, 1-based): chr12:754,133, G>A. VCF-style: chr12-754133-G-A. GRCh37 (hg19) VCF-style: chr12-863299-G-A.
Other names: c.568G>A, p.Ala190Thr (NM_014823.3, NM_213655.5, NM_001184985.2); short protein forms A190T.
Identifiers: ClinVar variation 655838 (VCV000655838.11), dbSNP rs1229285578, ClinGen allele CA383307379.

ClinVar aggregate classification (germline): Uncertain significance. Review status: criteria provided, multiple submitters, no conflicts (2 of 4 stars). 3 submissions from 3 submitters: Uncertain significance (3). Last evaluated 2024-02-29.

Conditions:
Inborn genetic diseases. Identifiers: MedGen C0950123, MeSH D030342.
Pseudohypoaldosteronism type 2C (PHA2C). Also called: Pseudohypoaldosteronism Type IIC. Identifiers: Orphanet 757, Orphanet 88940, MedGen C1840391, MONDO:0013778, OMIM 614492.
Neuropathy, hereditary sensory and autonomic, type 2A (HSAN2A). Also called: ACROOSTEOLYSIS, GIACCAI TYPE; ACROOSTEOLYSIS, NEUROGENIC; HSAN IIA; WNK1-Related HSAN2 (HSAN2A); MORVAN DISEASE; NEUROPATHY, CONGENITAL SENSORY. Identifiers: Orphanet 970, MedGen C2752089, MONDO:0024309, OMIM 201300.

Allele frequency attached by ClinVar (database versions not stated): gnomAD exomes below 0.00001; gnomAD 0.00001 and 0.00003; TOPMed 0.00001.
gnomAD v4.1: 3 of 1,611,954 alleles (0.00019%); highest among the groups gnomAD compares: Non-Finnish European, 0.00025%; no homozygotes.

Submissions (3):

Labcorp Genetics (formerly Invitae), Labcorp
Classification: Uncertain significance for Neuropathy, hereditary sensory and autonomic, type 2A; Pseudohypoaldosteronism type 2C. Last evaluated: 2024-02-29. Review status: criteria provided, single submitter. Criteria: Invitae Variant Classification Sherloc (09022015). Collection method: clinical testing. Allele origin: germline.
Comment: This sequence change replaces alanine, which is neutral and non-polar, with threonine, which is neutral and polar, at codon 190 of the WNK1 protein (p.Ala190Thr). This variant is present in population databases (no rsID available, gnomAD 0.0008%). This variant has not been reported in the literature in individuals affected with WNK1-related conditions. ClinVar contains an entry for this variant (Variation ID: 655838). Advanced modeling of protein sequence and biophysical properties (such as structural, functional, and spatial information, amino acid conservation, physicochemical variation, residue mobility, and thermodynamic stability) performed at Invitae indicates that this missense variant is not expected to disrupt WNK1 protein function with a negative predictive value of 95%. In summary, the available evidence is currently insufficient to determine the role of this variant in disease. Therefore, it has been classified as a Variant of Uncertain Significance.

Fulgent Genetics
Classification: Uncertain significance for Neuropathy, hereditary sensory and autonomic, type 2A; Pseudohypoaldosteronism type 2C. Last evaluated: 2022-05-26. Review status: criteria provided, single submitter. Criteria: ACMG Guidelines, 2015. Collection method: clinical testing. Allele origin: unknown.

Ambry Genetics
Classification: Uncertain significance for Inborn genetic diseases. Last evaluated: 2021-10-29. Review status: criteria provided, single submitter. Criteria: Ambry Variant Classification Scheme 2023. Collection method: clinical testing. Allele origin: germline.
Comment: The p.A190T variant (also known as c.568G>A), located in coding exon 1 of the WNK1 gene, results from a G to A substitution at nucleotide position 568. The alanine at codon 190 is replaced by threonine, an amino acid with similar properties. This amino acid position is well conserved in available vertebrate species; however, threonine is the reference amino acid in other vertebrate species. In addition, this alteration is predicted to be tolerated by in silico analysis. Since supporting evidence is limited at this time, the clinical significance of this alteration remains unclear.